The following is an entry in ClinVar:

ClinVar aggregate classification (germline): Uncertain significance (1 of 4 stars; one submission).

Conditions:
Long QT syndrome (LQTS). Identifiers: MedGen C0023976, MeSH D008133, MONDO:0002442. Disease mechanism: loss of function. Inheritance: Various modes of inheritance.

Allele frequency attached by ClinVar (database versions not stated): gnomAD exomes below 0.00001; TOPMed below 0.00001; gnomAD 0.00001.
gnomAD v4.1: 5 of 1,614,046 alleles (0.00031%); highest among the groups gnomAD compares: African/African-American, 0.0013%; no homozygotes.

Submission:

Labcorp Genetics (formerly Invitae), Labcorp
Classification: Uncertain significance for Long QT syndrome. Last evaluated: 2022-03-07. Review status: criteria provided, single submitter. Criteria: Invitae Variant Classification Sherloc (09022015). Collection method: clinical testing. Allele origin: germline.
Comment: In summary, the available evidence is currently insufficient to determine the role of this variant in disease. Therefore, it has been classified as a Variant of Uncertain Significance. Algorithms developed to predict the effect of missense changes on protein structure and function are either unavailable or do not agree on the potential impact of this missense change (SIFT: "Deleterious"; PolyPhen-2: "Probably Damaging"; Align-GVGD: "Class C0"). This variant has not been reported in the literature in individuals affected with AKAP9-related conditions. This variant is present in population databases (no rsID available, gnomAD 0.003%). This sequence change replaces threonine, which is neutral and polar, with methionine, which is neutral and non-polar, at codon 3750 of the AKAP9 protein (p.Thr3750Met).

NM_005751.5(AKAP9):c.11249C>T (p.Thr3750Met)

Gene: AKAP9 (A-kinase anchoring protein 9; plus strand). Cytogenetic location: 7q21.2.
Variant type: single nucleotide variant.
Coding change: c.11249C>T on transcript NM_005751.5 (MANE Select); coding-DNA position 11249, C replaced by T.
Protein change: p.Thr3750Met; replaces threonine 3750 with methionine.
Molecular consequence: missense variant.
Genome position (GRCh38, 1-based): chr7:92,102,745, C>T. VCF-style: chr7-92102745-C-T. GRCh37 (hg19) VCF-style: chr7-91732059-C-T.
Other names: c.5894C>T, p.Thr1965Met (NM_001379277.1); c.11225C>T, p.Thr3742Met (NM_147185.3); short protein forms T3742M, T1965M, T3750M.
Identifiers: ClinVar variation 1515854 (VCV001515854.8), dbSNP rs1431745958, ClinGen allele CA368162538.